The following is an entry in ClinVar:

NM_003906.5(MCM3AP):c.5278dup (p.Arg1760fs)

Genes: MCM3AP (minichromosome maintenance complex component 3 associated protein; minus strand), MCM3AP-AS1 (MCM3AP antisense RNA 1; plus strand). Cytogenetic location: 21q22.3.
Variant type: Duplication.
Coding change: c.5278dup on transcript NM_003906.5 (MANE Select); coding-DNA position 5278, one base duplicated (C; older notation c.5278dupC).
Protein change: p.Arg1760fs; shifts the reading frame from arginine 1760.
Molecular consequence: frameshift variant.
Genome position (GRCh38, 1-based): chr21:46,243,483, G duplicated on the plus strand (C on the coding strand, the reverse complement: MCM3AP is on the minus strand); the first of 7 consecutive G bases (chr21:46,243,483-46,243,489); duplicating any one gives the same sequence. VCF-style (leftmost placement, unchanged base first): chr21-46243482-C-CG. GRCh37 (hg19) VCF-style: chr21-47663396-C-CG.
Other names: short protein forms R1760fs.
Identifiers: ClinVar variation 817401 (VCV000817401.8), dbSNP rs763090302, ClinGen allele CA10075910.

ClinVar aggregate classification (germline): Pathogenic/Likely pathogenic. Review status: criteria provided, multiple submitters, no conflicts (2 of 4 stars). 4 submissions from 4 submitters: Pathogenic (1); Likely pathogenic (3). Last evaluated 2026-08-06.

Conditions:
Peripheral neuropathy, autosomal recessive, with or without impaired intellectual development. Identifiers: MedGen C4748283, MONDO:0029131, OMIM 618124.

Submissions (4):

OLLIN Analises Genomicas, OLLIN
Classification: Likely pathogenic for Peripheral neuropathy, autosomal recessive, with or without impaired intellectual development. Last evaluated: 2026-08-06. Review status: criteria provided, single submitter. Criteria: ACMG Guidelines 2015 PMID 25741868. Collection method: clinical testing. Allele origin: germline.
Comment: This frameshift variant, located in exon 24 (of 28), has been reported in ClinVar (accession VCV000817401.6) and in gnomAD with an allele frequency of 0.0024%. However, to our knowledge, it has not been reported in the scientific literature. This variant causes a frameshift and introduces a premature stop codon, which is predicted to result in either a truncated protein or degradation of the mRNA via nonsense-mediated decay (NMD). According to the currently available evidence, this variant has been classified as likely pathogenic (PVS1, PM2_P).

Dasa
Classification: Likely pathogenic for peripheral neuropathy, autosomal recessive, with or without impaired intellectual development. Last evaluated: 2025-09-18. Review status: criteria provided, single submitter. Criteria: DASA Assertion Criteria. Collection method: clinical testing. Allele origin: germline.
Comment: NM_003906.5(MCM3AP):c.5278dup (p.Arg1760Profs*11) is a frameshift variant in MCM3AP predicted to alter the reading frame and introduce a premature termination codon and is predicted to result in an absent or altered protein product. Loss of function is an established disease mechanism for MCM3AP-associated disorders. Also, this variant is rare in population databases. Based on the currently available evidence, this variant is classified as likely pathogenic.

Labcorp Genetics (formerly Invitae), Labcorp
Classification: Pathogenic. Last evaluated: 2024-02-12. Review status: criteria provided, single submitter. Criteria: Invitae Variant Classification Sherloc (09022015). Collection method: clinical testing. Allele origin: germline.
Comment: This sequence change creates a premature translational stop signal (p.Arg1760Profs*11) in the MCM3AP gene. It is expected to result in an absent or disrupted protein product. Loss-of-function variants in MCM3AP are known to be pathogenic (PMID: 28633435). The frequency data for this variant in the population databases is considered unreliable, as metrics indicate poor data quality at this position in the gnomAD database. This variant has not been reported in the literature in individuals affected with MCM3AP-related conditions. ClinVar contains an entry for this variant (Variation ID: 817401). For these reasons, this variant has been classified as Pathogenic.

GeneDx
Classification: Likely pathogenic. Last evaluated: 2019-01-02. Review status: criteria provided, single submitter. Criteria: GeneDx Variant Classification (06012015). Collection method: clinical testing. Allele origin: germline. Affected: yes.
Comment: A variant that is likely pathogenic has been identified in the MCM3AP gene. The c.5278dupC variant has not been published as a pathogenic variant, nor has it been reported as a benign variant to our knowledge. The c.5278dupC variant causes a frameshift starting with codon Arginine 1760, changes this amino acid to a Proline residue and creates a premature Stop codon at position 11 of the new reading frame, denoted p.Arg1760ProfsX11. This variant is predicted to cause loss of normal protein function either through protein truncation or nonsense-mediated mRNA decay. The c.5278dupC variant is not observed in large population cohorts (Lek et al., 2016). Therefore, this variant is likely pathogenic; however, the possibility that it is benign cannot be excluded.

Literature cited by the submitters: PubMed 28633435 (cited by Labcorp Genetics (formerly Invitae), Labcorp).